The following is an entry in ClinVar:

NM_015338.6(ASXL1):c.3946C>G (p.Arg1316Gly)

Gene: ASXL1 (ASXL transcriptional regulator 1; plus strand). Cytogenetic location: 20q11.21.
Variant type: single nucleotide variant.
Coding change: c.3946C>G on transcript NM_015338.6 (MANE Select); coding-DNA position 3946, C replaced by G.
Protein change: p.Arg1316Gly; replaces arginine 1316 with glycine.
Molecular consequence: missense variant.
Genome position (GRCh38, 1-based): chr20:32,436,658, C>G. VCF-style: chr20-32436658-C-G. GRCh37 (hg19) VCF-style: chr20-31024461-C-G.
Other names: c.3763C>G, p.Arg1255Gly (NM_001363734.1); short protein forms R1255G, R1316G.
Identifiers: ClinVar variation 1030495 (VCV001030495.1), dbSNP rs773951405, ClinGen allele CA408564125.

ClinVar aggregate classification (germline): Uncertain significance (1 of 4 stars; one submission).

Conditions:
Bohring-Opitz syndrome. Also called: C-LIKE SYNDROME; BOHRING SYNDROME; OPITZ TRIGONOCEPHALY-LIKE SYNDROME; ASXL1-Related Bohring-Opitz Syndrome. Identifiers: Orphanet 97297, MedGen C0796232, MONDO:0011510, OMIM 605039.

gnomAD v4.1: 2 of 1,614,062 alleles (0.00012%); highest among the groups gnomAD compares: South Asian, 0.0022%; no homozygotes.

Submission:

Baylor Genetics
Classification: Uncertain significance for Bohring-Opitz syndrome. Last evaluated: 2019-11-20. Review status: criteria provided, single submitter. Criteria: ACMG Guidelines, 2015. Collection method: clinical testing. Allele origin: unknown. Affected: yes.
Comment: This variant was determined to be of uncertain significance according to ACMG Guidelines, 2015 [PMID:25741868].